The following is an entry in ClinVar:

ClinVar aggregate classification (germline): Likely benign. Review status: criteria provided, multiple submitters, no conflicts (2 of 4 stars). 2 submissions from 2 submitters: Likely benign (2). Last evaluated 2026-04-23.

Conditions:
SLC24A1-related disorder. Also called: SLC24A1-related condition.

Allele frequency attached by ClinVar (database versions not stated): gnomAD exomes below 0.00001; gnomAD 0.00001; TOPMed 0.00001.
gnomAD v4.1: 5 of 1,610,432 alleles (0.00031%); highest among the groups gnomAD compares: Non-Finnish European, 0.00034%; no homozygotes.

Submissions (2):

PreventionGenetics, part of Exact Sciences
Classification: Likely benign for SLC24A1-related condition. Last evaluated: 2026-04-23. Review status: criteria provided, single submitter. Criteria: ACMG Guidelines, 2015. Collection method: clinical testing. Allele origin: germline.
Comment: This variant is classified as likely benign based on ACMG/AMP sequence variant interpretation guidelines (Richards et al. 2015 PMID: 25741868, with internal and published modifications).

Labcorp Genetics (formerly Invitae), Labcorp
Classification: Likely benign. Last evaluated: 2024-04-13. Review status: criteria provided, single submitter. Criteria: Invitae Variant Classification Sherloc (09022015). Collection method: clinical testing. Allele origin: germline.

NM_004727.3(SLC24A1):c.630A>G (p.Thr210=)

Gene: SLC24A1 (solute carrier family 24 member 1; plus strand). Cytogenetic location: 15q22.31.
Variant type: single nucleotide variant.
Coding change: c.630A>G on transcript NM_004727.3 (MANE Select); coding-DNA position 630, A replaced by G.
Protein change: p.Thr210=; no amino-acid change (threonine 210 retained).
Molecular consequence: synonymous variant.
Genome position (GRCh38, 1-based): chr15:65,624,710, A>G. VCF-style: chr15-65624710-A-G. GRCh37 (hg19) VCF-style: chr15-65917048-A-G.
Other names: c.630A>G (NM_004727.2); c.630A>G, p.Thr210= (NM_001301031.1, NM_001301032.1, NM_001301033.2).
Identifiers: ClinVar variation 1641649 (VCV001641649.9), dbSNP rs1284442723, ClinGen allele CA490904398.
Genomic context (GRCh38, chr15:65,624,710, plus strand): 5'-TTCCCCACGTGGTAGAAGAGTAGGCACTTACGTGCCGTCCACATTCATGACAATGGAAAC[A>G]AGCCATGCGATCACCCCCAGGACAACAGTGAAAGACAGTGACATTACAGCAACCTATAAA-3'
Protein context (NP_004718.1, residues 200-220): YVPSTFMTME[Thr210=]SHAITPRTTV